The following is an entry in ClinVar:

ClinVar aggregate classification (germline): Uncertain significance (1 of 4 stars; one submission).

Submission:

Labcorp Genetics (formerly Invitae), Labcorp
Classification: Uncertain significance. Last evaluated: 2021-12-08. Review status: criteria provided, single submitter. Criteria: Invitae Variant Classification Sherloc (09022015). Collection method: clinical testing. Allele origin: germline.
Comment: This sequence change creates a premature translational stop signal (p.Glu315Aspfs*84) in the SAMD9 gene. While this is not anticipated to result in nonsense mediated decay, it is expected to disrupt the last 1275 amino acid(s) of the SAMD9 protein. In summary, the available evidence is currently insufficient to determine the role of this variant in disease. Therefore, it has been classified as a Variant of Uncertain Significance. This variant has not been reported in the literature in individuals affected with SAMD9-related conditions. This variant is not present in population databases (gnomAD no frequency).

NM_017654.4(SAMD9):c.945del (p.Glu315fs)

Gene: SAMD9 (sterile alpha motif domain containing 9; minus strand). Cytogenetic location: 7q21.2.
Variant type: Deletion.
Coding change: c.945del on transcript NM_017654.4 (MANE Select); coding-DNA position 945, one base deleted (A; older notation c.945delA).
Protein change: p.Glu315fs; shifts the reading frame from glutamic acid 315.
Molecular consequence: frameshift variant.
Genome position (GRCh38, 1-based): chr7:93,105,153, T deleted on the plus strand (A on the coding strand, the reverse complement: SAMD9 is on the minus strand); the first of 2 consecutive T bases (chr7:93,105,153-93,105,154); deleting either gives the same sequence. VCF-style (leftmost placement, unchanged base first): chr7-93105152-AT-A. GRCh37 (hg19) VCF-style: chr7-92734465-AT-A.
Other names: c.945del, p.Glu315fs (NM_001193307.2); short protein forms E315fs.
Identifiers: ClinVar variation 2038107 (VCV002038107.4), dbSNP rs2535361588, ClinGen allele CA2578939273.